The following is an entry in ClinVar:

NM_024301.5(FKRP):c.113G>A (p.Gly38Glu)

Gene: FKRP (fukutin related protein; plus strand). Cytogenetic location: 19q13.32.
Variant type: single nucleotide variant.
Coding change: c.113G>A on transcript NM_024301.5 (MANE Select); coding-DNA position 113, G replaced by A.
Protein change: p.Gly38Glu; replaces glycine 38 with glutamic acid.
Molecular consequence: missense variant.
Genome position (GRCh38, 1-based): chr19:46,755,563, G>A. VCF-style: chr19-46755563-G-A. GRCh37 (hg19) VCF-style: chr19-47258820-G-A.
Other names: c.113G>A, p.Gly38Glu (NM_001039885.3); short protein forms G38E.
Identifiers: ClinVar variation 647386 (VCV000647386.6), dbSNP rs1599933942, ClinGen allele CA406494692.
Genomic context (GRCh38, chr19:46,755,563, plus strand): 5'-TTCTGGTCCTCTTCTATGTCTCGTGGCTGCAGCACCAGCCTAGGAATTCCCGGGCCCGGG[G>A]GCCCCGTCGTGCCTCTGCTGCCGGCCCCCGTGTCACCGTCCTGGTGCGGGAGTTCGAGGC-3'
Protein context (NP_077277.1, residues 28-48): QHQPRNSRAR[Gly38Glu]PRRASAAGPR

ClinVar aggregate classification (germline): Uncertain significance (1 of 4 stars; one submission).

Conditions:
Walker-Warburg congenital muscular dystrophy. Also called: Muscular dystrophy-dystroglycanopathy, type A; Walker-Warburg syndrome. Identifiers: Orphanet 899, MedGen C0265221, MONDO:0000171.

gnomAD v4.1: 1 of 1,606,708 alleles (0.000062%); highest among the groups gnomAD compares: Non-Finnish European, 0.000085%; no homozygotes.

Submission:

Labcorp Genetics (formerly Invitae), Labcorp
Classification: Uncertain significance for Walker-Warburg congenital muscular dystrophy. Last evaluated: 2021-08-27. Review status: criteria provided, single submitter. Criteria: Invitae Variant Classification Sherloc (09022015). Collection method: clinical testing. Allele origin: germline.
Comment: This sequence change replaces glycine with glutamic acid at codon 38 of the FKRP protein (p.Gly38Glu). The glycine residue is moderately conserved and there is a moderate physicochemical difference between glycine and glutamic acid. This variant is not present in population databases (ExAC no frequency). This variant has not been reported in the literature in individuals affected with FKRP-related conditions. Algorithms developed to predict the effect of missense changes on protein structure and function (SIFT, PolyPhen-2, Align-GVGD) all suggest that this variant is likely to be tolerated. In summary, the available evidence is currently insufficient to determine the role of this variant in disease. Therefore, it has been classified as a Variant of Uncertain Significance.